The following is an entry in ClinVar:

NM_001371986.1(UNC80):c.4781A>T (p.Glu1594Val)

Gene: UNC80 (unc-80 subunit of NALCN channel complex; plus strand). Cytogenetic location: 2q34.
Variant type: single nucleotide variant.
Coding change: c.4781A>T on transcript NM_001371986.1 (MANE Select); coding-DNA position 4781, A replaced by T.
Protein change: p.Glu1594Val; replaces glutamic acid 1594 with valine.
Molecular consequence: missense variant.
Genome position (GRCh38, 1-based): chr2:209,904,964, A>T. VCF-style: chr2-209904964-A-T. GRCh37 (hg19) VCF-style: chr2-210769688-A-T.
Other names: c.4583A>T, p.Glu1528Val (NM_032504.2); c.4568A>T, p.Glu1523Val (NM_182587.4); short protein forms E1528V, E1594V, E1523V.
Identifiers: ClinVar variation 1032285 (VCV001032285.1), dbSNP rs2087999916, ClinGen allele CA350755798.

ClinVar aggregate classification (germline): Uncertain significance (1 of 4 stars; one submission).

Conditions:
Hypotonia, infantile, with psychomotor retardation and characteristic facies 2 (IHPRF2). Also called: UNC80 Deficiency. Identifiers: Orphanet 371364, Orphanet 700333, MedGen C4225203, MONDO:0014777, OMIM 616801.

Submission:

Baylor Genetics
Classification: Uncertain significance for Hypotonia, infantile, with psychomotor retardation and characteristic facies 2. Last evaluated: 2018-05-15. Review status: criteria provided, single submitter. Criteria: ACMG Guidelines, 2015. Collection method: clinical testing. Allele origin: paternal. Affected: yes.
Comment: This variant was determined to be of uncertain significance according to ACMG Guidelines, 2015 [PMID:25741868].